The following is an entry in ClinVar:

ClinVar aggregate classification (germline): Uncertain significance (0 of 4 stars; one submission).

Conditions:
CLIP1-related disorder. Also called: CLIP1-related condition.

Submission:

PreventionGenetics, part of Exact Sciences
Classification: Uncertain significance for CLIP1-related condition. Last evaluated: 2024-08-14. Review status: no assertion criteria provided. Collection method: clinical testing. Allele origin: germline.
Comment: The CLIP1 c.1162delA variant is predicted to result in premature protein termination (p.Ile388*). To our knowledge, this variant has not been reported in the literature or in a large population database, indicating this variant is rare. At this time, the clinical significance of this variant is uncertain due to the absence of conclusive functional and genetic evidence.

NM_001247997.2(CLIP1):c.1162del (p.Glu387_Ile388insTer)

Gene: CLIP1 (CAP-Gly domain containing linker protein 1; minus strand). Cytogenetic location: 12q24.31.
Variant type: Deletion.
Coding change: c.1162del on transcript NM_001247997.2 (MANE Select); coding-DNA position 1162, one base deleted (A; older notation c.1162delA).
Protein change: p.Glu387_Ile388insTer.
Molecular consequence: nonsense.
Genome position (GRCh38, 1-based): chr12:122,355,156, T deleted on the plus strand (A on the coding strand, the reverse complement: CLIP1 is on the minus strand). VCF-style (leftmost placement, unchanged base first): chr12-122355155-AT-A. GRCh37 (hg19) VCF-style: chr12-122839702-AT-A.
Other names: c.1162del, p.Glu387_Ile388insTer (NM_001389291.1, NM_002956.3, NM_198240.3).
Identifiers: ClinVar variation 3346871 (VCV003346871.1).